The following is an entry in ClinVar:

ClinVar aggregate classification (germline): Likely benign. Review status: criteria provided, multiple submitters, no conflicts (2 of 4 stars). 3 submissions from 3 submitters: Likely benign (2). 1 of the submissions does not count toward it. Last evaluated 2025-12-28.

Conditions:
DYNC2H1-related disorder. Also called: DYNC2H1-related disorders; DYNC2H1-related condition. Identifiers: MedGen CN378770.
Jeune thoracic dystrophy. Also called: Jeune syndrome; Infantile thoracic dystrophy; Thoracic pelvic phalangeal dystrophy; Jeune's syndrome; Chondroectodermal dysplasia-like syndrome; Short-rib thoracic dysplasia. Identifiers: Orphanet 474, MedGen C0265275, MONDO:0018770.

Allele frequency attached by ClinVar (database versions not stated): gnomAD below 0.00001 and 0.00017; TOPMed 0.00002; gnomAD exomes 0.00024 and 0.00045; ExAC 0.00054; 1000 Genomes Project 0.00060; 1000 Genomes Project 30x 0.00062.
gnomAD v4.1: 375 of 1,612,768 alleles (0.023%); highest among the groups gnomAD compares: South Asian, 0.39%; 8 homozygotes.

Submissions (3):

Labcorp Genetics (formerly Invitae), Labcorp
Classification: Likely benign for Jeune thoracic dystrophy. Last evaluated: 2025-12-28. Review status: criteria provided, single submitter. Criteria: Invitae Variant Classification Sherloc (09022015). Collection method: clinical testing. Allele origin: germline.

Blueprint Genetics
Classification: Likely benign. Last evaluated: 2024-11-19. Review status: criteria provided, single submitter. Criteria: ACMG Guidelines, 2015. Collection method: clinical testing. Allele origin: germline.

PreventionGenetics, part of Exact Sciences
Classification: Likely benign for DYNC2H1-related condition. Last evaluated: 2024-05-05. Review status: no assertion criteria provided. Collection method: clinical testing. Allele origin: germline. Not counted in ClinVar's aggregate classification.
Comment: This variant is classified as likely benign based on ACMG/AMP sequence variant interpretation guidelines (Richards et al. 2015 PMID: 25741868, with internal and published modifications).

NM_001377.3(DYNC2H1):c.2527G>A (p.Ala843Thr)

Gene: DYNC2H1 (dynein cytoplasmic 2 heavy chain 1; plus strand). Cytogenetic location: 11q22.3.
Variant type: single nucleotide variant.
Coding change: c.2527G>A on transcript NM_001377.3 (MANE Select); coding-DNA position 2527, G replaced by A.
Protein change: p.Ala843Thr; replaces alanine 843 with threonine.
Molecular consequence: missense variant.
Genome position (GRCh38, 1-based): chr11:103,135,901, G>A. VCF-style: chr11-103135901-G-A. GRCh37 (hg19) VCF-style: chr11-103006630-G-A.
Other names: c.2527G>A, p.Ala843Thr (NM_001080463.2); short protein forms A843T.
Identifiers: ClinVar variation 696174 (VCV000696174.10), dbSNP rs548461924, ClinGen allele CA6253057.
Genomic context (GRCh38, chr11:103,135,901, plus strand): 5'-TCTATTTTTTCTATTATGATTGATAGAAATGCAAGTGGATTTTTGACGATTTTCAGCAAA[G>A]CAGAAGATCTGTTTAGAAGATTGTCAGCTGTTTTACACCAACATAAGGTATAGAACATGT-3'
Protein context (NP_001368.2, residues 833-853): ASGFLTIFSK[Ala843Thr]EDLFRRLSAV